The following is an entry in ClinVar:

ClinVar aggregate classification (germline): Likely benign (1 of 4 stars; one submission).

Allele frequency attached by ClinVar (database versions not stated): gnomAD 0.00002; TOPMed 0.00003.
gnomAD v4.1: 10 of 1,551,438 alleles (0.00064%); highest among the groups gnomAD compares: African/African-American, 0.0055%; no homozygotes.

Submission:

CeGaT Center for Human Genetics Tuebingen
Classification: Likely benign. Last evaluated: 2022-03-01. Review status: criteria provided, single submitter. Criteria: CeGaT Center For Human Genetics Tuebingen Variant Classification Criteria Version 2. Collection method: clinical testing. Allele origin: germline. Affected: yes. Observed: 1 variant allele.
Comment: TNRC18: BP4, BP7

NM_001080495.3(TNRC18):c.7566C>T (p.Asp2522=)

Gene: TNRC18 (trinucleotide repeat containing 18; minus strand). Cytogenetic location: 7p22.1.
Variant type: single nucleotide variant.
Coding change: c.7566C>T on transcript NM_001080495.3 (MANE Select); coding-DNA position 7566, C replaced by T.
Protein change: p.Asp2522=; no amino-acid change (aspartic acid 2522 retained).
Molecular consequence: synonymous variant.
Genome position (GRCh38, 1-based): chr7:5,313,325, G>A on the plus strand (C>T on the coding strand, the complement: TNRC18 is on the minus strand). VCF-style: chr7-5313325-G-A. GRCh37 (hg19) VCF-style: chr7-5352956-G-A.
Identifiers: ClinVar variation 2657273 (VCV002657273.24), dbSNP rs759287371, ClinGen allele CA4143680.